The following is an entry in ClinVar:

ClinVar aggregate classification (germline): Uncertain significance. Review status: criteria provided, multiple submitters, no conflicts (2 of 4 stars). 3 submissions from 3 submitters: Uncertain significance (3). Last evaluated 2025-12-16.

Conditions:
Inborn genetic diseases. Identifiers: MedGen C0950123, MeSH D030342.
COL7A1-related disorder. Also called: COL7A1-related condition; COL7A1- related disorders.

Allele frequency attached by ClinVar (database versions not stated): ExAC 0.00002; gnomAD 0.00004; TOPMed 0.00005.
gnomAD v4.1: 55 of 1,613,980 alleles (0.0034%); highest among the groups gnomAD compares: East Asian, 0.0089%; no homozygotes.

Submissions (3):

Ambry Genetics
Classification: Uncertain significance for Inborn genetic diseases. Last evaluated: 2025-12-16. Review status: criteria provided, single submitter. Criteria: Ambry Variant Classification Scheme 2023. Collection method: clinical testing. Allele origin: germline.

Labcorp Genetics (formerly Invitae), Labcorp
Classification: Uncertain significance. Last evaluated: 2025-08-17. Review status: criteria provided, single submitter. Criteria: Invitae Variant Classification Sherloc (09022015). Collection method: clinical testing. Allele origin: germline.
Comment: This sequence change replaces arginine, which is basic and polar, with histidine, which is basic and polar, at codon 1657 of the COL7A1 protein (p.Arg1657His). This variant is present in population databases (rs772510551, gnomAD 0.007%). This variant has not been reported in the literature in individuals affected with COL7A1-related conditions. ClinVar contains an entry for this variant (Variation ID: 2138950). Invitae Evidence Modeling of protein sequence and biophysical properties (such as structural, functional, and spatial information, amino acid conservation, physicochemical variation, residue mobility, and thermodynamic stability) has been performed for this missense variant. However, the output from this modeling did not meet the statistical confidence thresholds required to predict the impact of this variant on COL7A1 protein function. In summary, the available evidence is currently insufficient to determine the role of this variant in disease. Therefore, it has been classified as a Variant of Uncertain Significance.

PreventionGenetics, part of Exact Sciences
Classification: Uncertain significance for COL7A1-related condition. Last evaluated: 2023-05-10. Review status: criteria provided, single submitter. Criteria: ACMG Guidelines, 2015. Collection method: clinical testing. Allele origin: germline.
Comment: The COL7A1 c.4970G>A variant is predicted to result in the amino acid substitution p.Arg1657His. To our knowledge, this variant has not been reported in the literature. This variant is reported in 0.0070% of alleles in individuals of European (Non-Finnish) descent in gnomAD. At this time, the clinical significance of this variant is uncertain due to the absence of conclusive functional and genetic evidence.

NM_000094.4(COL7A1):c.4970G>A (p.Arg1657His)

Gene: COL7A1 (collagen type VII alpha 1 chain; minus strand). Cytogenetic location: 3p21.31.
Variant type: single nucleotide variant.
Coding change: c.4970G>A on transcript NM_000094.4 (MANE Select); coding-DNA position 4970, G replaced by A.
Protein change: p.Arg1657His; replaces arginine 1657 with histidine.
Molecular consequence: missense variant.
Genome position (GRCh38, 1-based): chr3:48,580,892, C>T on the plus strand (G>A on the coding strand, the complement: COL7A1 is on the minus strand). VCF-style: chr3-48580892-C-T. GRCh37 (hg19) VCF-style: chr3-48618325-C-T.
Other names: short protein forms R1657H.
Identifiers: ClinVar variation 2138950 (VCV002138950.6), dbSNP rs772510551, ClinGen allele CA2379746.